The following is an entry in ClinVar:

NM_001029883.3(PCARE):c.1545A>G (p.Gln515=)

Gene: PCARE (photoreceptor cilium actin regulator; minus strand). Cytogenetic location: 2p23.2.
Variant type: single nucleotide variant.
Coding change: c.1545A>G on transcript NM_001029883.3 (MANE Select); coding-DNA position 1545, A replaced by G.
Protein change: p.Gln515=; no amino-acid change (glutamine 515 retained).
Molecular consequence: synonymous variant.
Genome position (GRCh38, 1-based): chr2:29,072,717, T>C on the plus strand (A>G on the coding strand, the complement: PCARE is on the minus strand). VCF-style: chr2-29072717-T-C. GRCh37 (hg19) VCF-style: chr2-29295583-T-C.
Identifiers: ClinVar variation 899092 (VCV000899092.38), dbSNP rs200427237, ClinGen allele CA1592403.
Genomic context (GRCh38, chr2:29,072,717, plus strand): 5'-GAGGCTCCTAAGCCTCCTGGTGCGGGCCTGAAATGGGCTTTCCCGGTCAGCAGGTGAAGA[T>C]TGTGGCCTTGAATGTGGAGTTTTTTCCTGCCAGGCACACAGACTCATGCTGCTCATTTTG-3'
Protein context (NP_001025054.1, residues 505-525): WQEKTPHSRP[Gln515=]SSPADRESPF

ClinVar aggregate classification (germline): Conflicting classifications of pathogenicity. Review status: criteria provided, conflicting classifications (1 of 4 stars). 5 submissions from 5 submitters: Uncertain significance (1); Benign (1); Likely benign (3). Last evaluated 2026-01-27.

Conditions:
Retinitis pigmentosa (RP). Identifiers: Orphanet 791, MedGen C0035334, MeSH D012174, MONDO:0019200, OMIM 268000. Inheritance: Autosomal dominant, autosomal recessive and X linked inheritance.
PCARE-related disorder. Also called: PCARE-related condition.

Allele frequency attached by ClinVar (database versions not stated): 1000 Genomes Project 0.00040; 1000 Genomes Project 30x 0.00062; ESP Exome Variant Server 0.00064; TOPMed 0.00064; gnomAD exomes 0.00088 and 0.00106; gnomAD 0.00089 and 0.00093; ExAC 0.00143.
gnomAD v4.1: 1,421 of 1,613,990 alleles (0.088%); highest among the groups gnomAD compares: Non-Finnish European, 0.1%; 2 homozygotes.

Submissions (5):

PreventionGenetics, part of Exact Sciences
Classification: Likely benign for PCARE-related condition. Last evaluated: 2026-01-27. Review status: criteria provided, single submitter. Criteria: ACMG Guidelines, 2015. Collection method: clinical testing. Allele origin: germline.
Comment: This variant is classified as likely benign based on ACMG/AMP sequence variant interpretation guidelines (Richards et al. 2015 PMID: 25741868, with internal and published modifications).

Labcorp Genetics (formerly Invitae), Labcorp
Classification: Benign. Last evaluated: 2026-01-21. Review status: criteria provided, single submitter. Criteria: Invitae Variant Classification Sherloc (09022015). Collection method: clinical testing. Allele origin: germline.

CeGaT Center for Human Genetics Tuebingen
Classification: Likely benign. Last evaluated: 2025-01-01. Review status: criteria provided, single submitter. Criteria: CeGaT Center For Human Genetics Tuebingen Variant Classification Criteria Version 2. Collection method: clinical testing. Allele origin: germline. Affected: yes. Observed: 2 variant alleles.
Comment: PCARE: BP4, BP7

Blueprint Genetics
Classification: Likely benign. Last evaluated: 2024-11-23. Review status: criteria provided, single submitter. Criteria: ACMG Guidelines, 2015. Collection method: clinical testing. Allele origin: germline.

Illumina Laboratory Services, Illumina
Classification: Uncertain significance for Retinitis pigmentosa. Last evaluated: 2017-04-28. Review status: criteria provided, single submitter. Criteria: ICSL Variant Classification Criteria 13 December 2019. Collection method: clinical testing. Allele origin: germline.
Comment: This variant was observed as part of a predisposition screen in an ostensibly healthy population. A literature search was performed for the gene, cDNA change, and amino acid change (where applicable). Publications were found based on this search. However, the evidence from the literature, in combination with allele frequency data from public databases where available, was not sufficient to rule this variant in or out of causing disease. Therefore, this variant is classified as a variant of unknown significance.

Literature cited by the submitters: PubMed 21412943 (cited by Illumina Laboratory Services, Illumina).